The following is an entry in ClinVar:

ClinVar aggregate classification (germline): Uncertain significance (1 of 4 stars; one submission).

Submission:

Labcorp Genetics (formerly Invitae), Labcorp
Classification: Uncertain significance. Last evaluated: 2026-01-27. Review status: criteria provided, single submitter. Criteria: Invitae Variant Classification Sherloc (09022015). Collection method: clinical testing. Allele origin: germline.
Comment: This sequence change replaces valine, which is neutral and non-polar, with leucine, which is neutral and non-polar, at codon 357 of the CASQ1 protein (p.Val357Leu). This variant is not present in population databases (gnomAD no frequency). This variant has not been reported in the literature in individuals affected with CASQ1-related conditions. Invitae Evidence Modeling of protein sequence and biophysical properties (such as structural, functional, and spatial information, amino acid conservation, physicochemical variation, residue mobility, and thermodynamic stability) indicates that this missense variant is not expected to disrupt CASQ1 protein function with a negative predictive value of 80%. In summary, the available evidence is currently insufficient to determine the role of this variant in disease. Therefore, it has been classified as a Variant of Uncertain Significance.

NM_001231.5(CASQ1):c.1069G>C (p.Val357Leu)

Gene: CASQ1 (calsequestrin 1; plus strand). Cytogenetic location: 1q23.2.
Variant type: single nucleotide variant.
Coding change: c.1069G>C on transcript NM_001231.5 (MANE Select); coding-DNA position 1069, G replaced by C.
Protein change: p.Val357Leu; replaces valine 357 with leucine.
Molecular consequence: missense variant.
Genome position (GRCh38, 1-based): chr1:160,201,254, G>C. VCF-style: chr1-160201254-G-C. GRCh37 (hg19) VCF-style: chr1-160171044-G-C.
Other names: short protein forms V357L.
Identifiers: ClinVar variation 4742391 (VCV004742391.1).